The following is an entry in ClinVar:

NM_001379500.1(COL18A1):c.3133G>A (p.Glu1045Lys)

Genes: COL18A1 (collagen type XVIII alpha 1 chain; plus strand), SLC19A1 (solute carrier family 19 member 1; minus strand). Cytogenetic location: 21q22.3.
Variant type: single nucleotide variant.
Coding change: c.3133G>A on transcript NM_001379500.1 (MANE Select); coding-DNA position 3133, G replaced by A.
Protein change: p.Glu1045Lys; replaces glutamic acid 1045 with lysine.
Molecular consequence: missense variant.
Genome position (GRCh38, 1-based): chr21:45,505,883, G>A. VCF-style: chr21-45505883-G-A. GRCh37 (hg19) VCF-style: chr21-46925797-G-A.
Other names: NM_130445.2:c.3124G>A; c.3664G>A, p.Glu1222Lys (NM_030582.4); c.4369G>A, p.Glu1457Lys (NM_130444.3); c.3664G>A (NM_030582.3); short protein forms E1045K, E1222K, E1457K.
Identifiers: ClinVar variation 1042819 (VCV001042819.7), dbSNP rs200427354, ClinGen allele CA10067723.

ClinVar aggregate classification (germline): Uncertain significance. Review status: criteria provided, multiple submitters, no conflicts (2 of 4 stars). 4 submissions from 4 submitters: Uncertain significance (4). Last evaluated 2026-09-14.

Conditions:
COL18A1-related disorder. Also called: COL18A1-related condition; COL18A1-related disorders.

Allele frequency attached by ClinVar (database versions not stated): TOPMed 0.00017; gnomAD 0.00018 and 0.00016; ESP Exome Variant Server 0.00032.
gnomAD v4.1: 133 of 1,611,876 alleles (0.0083%); highest among the groups gnomAD compares: African/African-American, 0.023%; no homozygotes.

Submissions (4):

PreventionGenetics, part of Exact Sciences
Classification: Uncertain significance for COL18A1-related condition. Last evaluated: 2026-09-14. Review status: criteria provided, single submitter. Criteria: ACMG Guidelines, 2015. Collection method: clinical testing. Allele origin: germline.
Comment: The COL18A1 c.3664G>A variant is predicted to result in the amino acid substitution p.Glu1222Lys. To our knowledge, this variant has not been reported in the literature. This variant is reported in 0.042% of alleles in individuals of African descent in gnomAD, which may be too frequent to be a primary cause of disease. At this time, the clinical significance of this variant is uncertain due to the absence of conclusive functional and genetic evidence.

Labcorp Genetics (formerly Invitae), Labcorp
Classification: Uncertain significance. Last evaluated: 2026-01-21. Review status: criteria provided, single submitter. Criteria: Invitae Variant Classification Sherloc (09022015). Collection method: clinical testing. Allele origin: germline.
Comment: This sequence change replaces glutamic acid, which is acidic and polar, with lysine, which is basic and polar, at codon 1042 of the COL18A1 protein (p.Glu1042Lys). This variant is present in population databases (rs200427354, gnomAD 0.04%). This variant has not been reported in the literature in individuals affected with COL18A1-related conditions. ClinVar contains an entry for this variant (Variation ID: 1042819). Experimental studies and prediction algorithms are not available or were not evaluated, and the functional significance of this variant is currently unknown. In summary, the available evidence is currently insufficient to determine the role of this variant in disease. Therefore, it has been classified as a Variant of Uncertain Significance.

Women's Health and Genetics/Laboratory Corporation of America, LabCorp
Classification: Uncertain significance. Last evaluated: 2024-01-23. Review status: criteria provided, single submitter. Criteria: LabCorp Variant Classification Summary - May 2015. Collection method: clinical testing. Allele origin: germline.
Comment: Variant summary: COL18A1 c.3133G>A (p.Glu1045Lys) results in a conservative amino acid change in the encoded protein sequence. Three of four in-silico tools predict a benign effect of the variant on protein function. The variant allele was found at a frequency of 0.00011 in 247276 control chromosomes (gnomAD). To our knowledge, no occurrence of c.3133G>A in individuals affected with Knobloch Syndrome 1 and no experimental evidence demonstrating its impact on protein function have been reported. ClinVar contains an entry for this variant (Variation ID: 1042819). Based on the evidence outlined above, the variant was classified as uncertain significance.

GeneDx
Classification: Uncertain significance. Last evaluated: 2022-09-16. Review status: criteria provided, single submitter. Criteria: GeneDx Variant Classification Process June 2021. Collection method: clinical testing. Allele origin: germline. Affected: yes.
Comment: In silico analysis supports that this missense variant does not alter protein structure/function; Has not been previously published as pathogenic or benign to our knowledge